The following is an entry in ClinVar:

NM_000059.4(BRCA2):c.9785A>C (p.Gln3262Pro)

Gene: BRCA2 (BRCA2 DNA repair associated; plus strand). Cytogenetic location: 13q13.1.
Variant type: single nucleotide variant.
Coding change: c.9785A>C on transcript NM_000059.4 (MANE Select); coding-DNA position 9785, A replaced by C.
Protein change: p.Gln3262Pro; replaces glutamine 3262 with proline.
Molecular consequence: missense variant.
Genome position (GRCh38, 1-based): chr13:32,398,298, A>C. VCF-style: chr13-32398298-A-C. GRCh37 (hg19) VCF-style: chr13-32972435-A-C.
Other names: short protein forms Q3262P.
Identifiers: ClinVar variation 629045 (VCV000629045.15), dbSNP rs1566261012, ClinGen allele CA387765948.

ClinVar aggregate classification (germline): Conflicting classifications of pathogenicity. Review status: criteria provided, conflicting classifications (1 of 4 stars). 3 submissions from 3 submitters: Uncertain significance (2); Likely benign (1). Last evaluated 2025-12-19.

Conditions:
Hereditary cancer-predisposing syndrome. Also called: Neoplastic Syndromes, Hereditary; Tumor predisposition; Hereditary neoplastic syndrome; Hereditary Cancer Syndrome. Identifiers: Orphanet 140162, MedGen C0027672, MeSH D009386, MONDO:0015356.
Hereditary breast ovarian cancer syndrome. Also called: Hereditary breast and ovarian cancer syndrome; Hereditary breast and ovarian cancer; Hereditary breast and ovarian cancer syndrome (HBOC); Breast and ovarian cancer; Hereditary breast and/or ovarian cancer syndrome; BRCA1- and BRCA2-Associated Hereditary Breast and Ovarian Cancer. Identifiers: Orphanet 145, MedGen C0677776, MeSH D061325, MONDO:0003582. Disease mechanism: loss of function.

Allele frequency attached by ClinVar (database versions not stated): gnomAD exomes below 0.00001.
gnomAD v4.1: 3 of 1,614,200 alleles (0.00019%); highest among the groups gnomAD compares: Non-Finnish European, 0.00025%; no homozygotes.

Submissions (3):

Labcorp Genetics (formerly Invitae), Labcorp
Classification: Uncertain significance for Hereditary breast ovarian cancer syndrome. Last evaluated: 2025-12-19. Review status: criteria provided, single submitter. Criteria: Invitae Variant Classification Sherloc (09022015). Collection method: clinical testing. Allele origin: germline.
Comment: This sequence change replaces glutamine, which is neutral and polar, with proline, which is neutral and non-polar, at codon 3262 of the BRCA2 protein (p.Gln3262Pro). This variant is not present in population databases (gnomAD no frequency). This missense change has been observed in individual(s) with breast, ovarian and/or pancreatic cancer (PMID: 27882536). ClinVar contains an entry for this variant (Variation ID: 629045). Invitae Evidence Modeling of protein sequence and biophysical properties (such as structural, functional, and spatial information, amino acid conservation, physicochemical variation, residue mobility, and thermodynamic stability) indicates that this missense variant is not expected to disrupt BRCA2 protein function with a negative predictive value of 95%. In summary, the available evidence is currently insufficient to determine the role of this variant in disease. Therefore, it has been classified as a Variant of Uncertain Significance.

Color Diagnostics, LLC DBA Color Health
Classification: Uncertain significance for Hereditary cancer-predisposing syndrome. Last evaluated: 2019-04-19. Review status: criteria provided, single submitter. Criteria: ACMG Guidelines, 2015. Collection method: clinical testing. Allele origin: germline.

Ambry Genetics
Classification: Likely benign for Hereditary cancer-predisposing syndrome. Last evaluated: 2015-12-11. Review status: criteria provided, single submitter. Criteria: Ambry Variant Classification Scheme 2023. Collection method: clinical testing. Allele origin: germline.

Literature cited by the submitters: PubMed 27882536 (cited by Labcorp Genetics (formerly Invitae), Labcorp).